The following is an entry in ClinVar:

NM_012193.4(FZD4):c.203G>T (p.Gly68Val)

Gene: FZD4 (frizzled class receptor 4; minus strand). Cytogenetic location: 11q14.2.
Variant type: single nucleotide variant.
Coding change: c.203G>T on transcript NM_012193.4 (MANE Select); coding-DNA position 203, G replaced by T.
Protein change: p.Gly68Val; replaces glycine 68 with valine.
Molecular consequence: missense variant.
Genome position (GRCh38, 1-based): chr11:86,954,883, C>A on the plus strand (G>T on the coding strand, the complement: FZD4 is on the minus strand). VCF-style: chr11-86954883-C-A. GRCh37 (hg19) VCF-style: chr11-86665925-C-A.
Other names: short protein forms G68V.
Identifiers: ClinVar variation 1705329 (VCV001705329.1), dbSNP rs1949323134, ClinGen allele CA382018289.

ClinVar aggregate classification (germline): Uncertain significance (1 of 4 stars; one submission).

Conditions:
Exudative vitreoretinopathy 1 (EVR1). Also called: FEVR, AUTOSOMAL DOMINANT; Familial exudative vitreoretinopathy, autosomal dominant; CRISWICK-SCHEPENS SYNDROME. Identifiers: Orphanet 891, Orphanet 90050, MedGen C1851402, MONDO:0007589, OMIM 133780.

Submission:

3billion
Classification: Uncertain significance for Exudative vitreoretinopathy 1. Last evaluated: 2022-09-01. Review status: criteria provided, single submitter. Criteria: ACMG Guidelines, 2015. Collection method: clinical testing. Allele origin: germline. Affected: yes. Observed: 1 heterozygote.
Comment: The variant is not observed in the gnomAD v2.1.1 dataset. missense variant. In silico tool predictions suggest damaging effect of the variant on gene or gene product (REVEL: 0.92; 3Cnet: 0.85). Therefore, this variant is classified as uncertain significance according to the recommendation of ACMG/AMP guideline.